The following is an entry in ClinVar:

NM_006180.6(NTRK2):c.383C>A (p.Thr128Lys)

Gene: NTRK2 (neurotrophic receptor tyrosine kinase 2; plus strand). Cytogenetic location: 9q21.33.
Variant type: single nucleotide variant.
Coding change: c.383C>A on transcript NM_006180.6 (MANE Select); coding-DNA position 383, C replaced by A.
Protein change: p.Thr128Lys; replaces threonine 128 with lysine.
Molecular consequence: missense variant. On other transcripts: 5 prime UTR variant (5).
Genome position (GRCh38, 1-based): chr9:84,707,867, C>A. VCF-style: chr9-84707867-C-A. GRCh37 (hg19) VCF-style: chr9-87322782-C-A.
Other names: c.383C>A, p.Thr128Lys (NM_001007097.3, NM_001018064.3, NM_001018065.2 and 18 more transcripts); c.-86C>A (NM_001369535.1, NM_001369536.1, NM_001369550.1 and 2 more transcripts); short protein forms T128K.
Identifiers: ClinVar variation 1472252 (VCV001472252.8), dbSNP rs201256653, ClinGen allele CA374005402.
Genomic context (GRCh38, chr9:84,707,867, plus strand): 5'-TTTTAAATTCATGTTTAATGTTTTTGATTCCTTTCAGCAATTTTACCCGAAACAAACTGA[C>A]GAGTTTGTCTAGGAAACATTTCCGTCACCTTGACTTGTCTGAACTGTAAGTAATGATTTT-3'
Protein context (NP_006171.2, residues 118-138): QHINFTRNKL[Thr128Lys]SLSRKHFRHL

ClinVar aggregate classification (germline): Uncertain significance (1 of 4 stars; one submission).

Submission:

Labcorp Genetics (formerly Invitae), Labcorp
Classification: Uncertain significance. Last evaluated: 2022-07-12. Review status: criteria provided, single submitter. Criteria: Invitae Variant Classification Sherloc (09022015). Collection method: clinical testing. Allele origin: germline.
Comment: ClinVar contains an entry for this variant (Variation ID: 1472252). Advanced modeling of protein sequence and biophysical properties (such as structural, functional, and spatial information, amino acid conservation, physicochemical variation, residue mobility, and thermodynamic stability) performed at Invitae indicates that this missense variant is not expected to disrupt NTRK2 protein function. In summary, the available evidence is currently insufficient to determine the role of this variant in disease. Therefore, it has been classified as a Variant of Uncertain Significance. This variant has not been reported in the literature in individuals affected with NTRK2-related conditions. This sequence change replaces threonine, which is neutral and polar, with lysine, which is basic and polar, at codon 128 of the NTRK2 protein (p.Thr128Lys). This variant is not present in population databases (gnomAD no frequency).